The following is an entry in ClinVar:

NM_000238.4(KCNH2):c.1905C>A (p.Asn635Lys)

Gene: KCNH2 (potassium voltage-gated channel subfamily H member 2; minus strand). Cytogenetic location: 7q36.1.
Variant type: single nucleotide variant.
Coding change: c.1905C>A on transcript NM_000238.4 (MANE Select); coding-DNA position 1905, C replaced by A.
Protein change: p.Asn635Lys; replaces asparagine 635 with lysine.
Molecular consequence: missense variant.
Genome position (GRCh38, 1-based): chr7:150,951,488, G>T on the plus strand (C>A on the coding strand, the complement: KCNH2 is on the minus strand). VCF-style: chr7-150951488-G-T. GRCh37 (hg19) VCF-style: chr7-150648576-G-T.
Other names: c.885C>A, p.Asn295Lys (NM_001204798.2, NM_172057.3); c.1617C>A, p.Asn539Lys (NM_001406753.1, NM_001406756.1); c.1728C>A, p.Asn576Lys (NM_001406755.1); c.1605C>A, p.Asn535Lys (NM_001406757.1); c.1905C>A, p.Asn635Lys (NM_172056.3); short protein forms N535K, N539K, N576K, N295K, N635K.
Identifiers: ClinVar variation 2121024 (VCV002121024.4), dbSNP rs199472965, ClinGen allele CA369857871.

ClinVar aggregate classification (germline): Likely pathogenic (1 of 4 stars; one submission).

Conditions:
Long QT syndrome (LQTS). Identifiers: MedGen C0023976, MeSH D008133, MONDO:0002442. Disease mechanism: loss of function. Inheritance: Various modes of inheritance.

Submission:

Labcorp Genetics (formerly Invitae), Labcorp
Classification: Likely pathogenic for Long QT syndrome. Last evaluated: 2022-05-31. Review status: criteria provided, single submitter. Criteria: Invitae Variant Classification Sherloc (09022015). Collection method: clinical testing. Allele origin: germline.
Comment: This sequence change replaces asparagine, which is neutral and polar, with lysine, which is basic and polar, at codon 635 of the KCNH2 protein (p.Asn635Lys). This variant is not present in population databases (gnomAD no frequency). This missense change has been observed in individual(s) with long QT syndrome (PMID: 19841300; Invitae). In at least one individual the variant was observed to be de novo. Algorithms developed to predict the effect of missense changes on protein structure and function are either unavailable or do not agree on the potential impact of this missense change (SIFT: "Deleterious"; PolyPhen-2: "Probably Damaging"; Align-GVGD: "Class C0"). In summary, the currently available evidence indicates that the variant is pathogenic, but additional data are needed to prove that conclusively. Therefore, this variant has been classified as Likely Pathogenic.

Literature cited by the submitters: PubMed 19841300.